The following is an entry in ClinVar:

ClinVar aggregate classification (germline): Uncertain significance (1 of 4 stars; one submission).

Allele frequency attached by ClinVar (database versions not stated): TOPMed 0.00001; ESP Exome Variant Server 0.00008.
gnomAD v4.1: 1 of 1,614,122 alleles (0.000062%); no homozygotes.

Submission:

Labcorp Genetics (formerly Invitae), Labcorp
Classification: Uncertain significance. Last evaluated: 2024-10-15. Review status: criteria provided, single submitter. Criteria: Invitae Variant Classification Sherloc (09022015). Collection method: clinical testing. Allele origin: germline.
Comment: This sequence change replaces arginine, which is basic and polar, with glycine, which is neutral and non-polar, at codon 975 of the DMXL2 protein (p.Arg975Gly). This variant is not present in population databases (gnomAD no frequency). This variant has not been reported in the literature in individuals affected with DMXL2-related conditions. ClinVar contains an entry for this variant (Variation ID: 2151182). An algorithm developed to predict the effect of missense changes on protein structure and function (PolyPhen-2) suggests that this variant is likely to be tolerated. In summary, the available evidence is currently insufficient to determine the role of this variant in disease. Therefore, it has been classified as a Variant of Uncertain Significance.

NM_001378457.1(DMXL2):c.2923A>G (p.Arg975Gly)

Gene: DMXL2 (Dmx like 2; minus strand). Cytogenetic location: 15q21.2.
Variant type: single nucleotide variant.
Coding change: c.2923A>G on transcript NM_001378457.1 (MANE Select); coding-DNA position 2923, A replaced by G.
Protein change: p.Arg975Gly; replaces arginine 975 with glycine.
Molecular consequence: missense variant. On other transcripts: non-coding transcript variant (2), intron variant (2).
Genome position (GRCh38, 1-based): chr15:51,502,875, T>C on the plus strand (A>G on the coding strand, the complement: DMXL2 is on the minus strand). VCF-style: chr15-51502875-T-C. GRCh37 (hg19) VCF-style: chr15-51795072-T-C.
Other names: c.2923A>G, p.Arg975Gly (NM_001174116.3, NM_001378458.1, NM_001378459.1 and 4 more transcripts); c.2683A>G, p.Arg895Gly (NM_001378464.1); c.2764+4259A>G (NM_001378460.1, NM_001174117.3); short protein forms R895G, R975G.
Identifiers: ClinVar variation 2151182 (VCV002151182.4), dbSNP rs369426669, ClinGen allele CA270576879.